The following is an entry in ClinVar:

ClinVar aggregate classification (germline): Uncertain significance (1 of 4 stars; one submission).

gnomAD v4.1: 7 of 1,611,922 alleles (0.00043%); highest among the groups gnomAD compares: East Asian, 0.0022%; no homozygotes.

Submission:

Labcorp Genetics (formerly Invitae), Labcorp
Classification: Uncertain significance. Last evaluated: 2022-07-30. Review status: criteria provided, single submitter. Criteria: Invitae Variant Classification Sherloc (09022015). Collection method: clinical testing. Allele origin: germline.
Comment: This sequence change falls in intron 25 of the CAD gene. It does not directly change the encoded amino acid sequence of the CAD protein. This variant is not present in population databases (gnomAD no frequency). This variant has not been reported in the literature in individuals affected with CAD-related conditions. Algorithms developed to predict the effect of sequence changes on RNA splicing suggest that this variant may disrupt the consensus splice site. In summary, the available evidence is currently insufficient to determine the role of this variant in disease. Therefore, it has been classified as a Variant of Uncertain Significance.

NM_004341.5(CAD):c.4075-10G>A

Gene: CAD (carbamoyl-phosphate synthetase 2, aspartate transcarbamylase, and dihydroorotase; plus strand). Cytogenetic location: 2p23.3.
Variant type: single nucleotide variant.
Coding change: c.4075-10G>A on transcript NM_004341.5 (MANE Select); 10 bases into the intron before coding-DNA position 4075, G replaced by A.
Molecular consequence: intron variant.
Genome position (GRCh38, 1-based): chr2:27,236,274, G>A. VCF-style: chr2-27236274-G-A. GRCh37 (hg19) VCF-style: chr2-27459142-G-A.
Other names: c.3886-10G>A (NM_001306079.2).
Identifiers: ClinVar variation 1917862 (VCV001917862.2), dbSNP rs2465341047, ClinGen allele CA2580066279.
Genomic context (GRCh38, chr2:27,236,274, plus strand): 5'-TCTCCCTTAAGGCTAGCCTTCCTGACCGCTGCCAGACAGCTTGGCCCTGACCTTGACTCC[G>A]GGTTGGCAGGTAACAGCTGTGGACTGGCACTTTGAGGAGGCTGTGGATGGTGAGTGCCCA-3'